The following is an entry in ClinVar:

ClinVar aggregate classification (germline): Uncertain significance (1 of 4 stars; one submission).

Conditions:
Spondyloenchondrodysplasia with immune dysregulation (SPENCDI). Also called: ROIFMAN IMMUNOSKELETAL SYNDROME; SPONDYLOENCHONDRODYSPLASIA WITH OR WITHOUT IMMUNE DYSREGULATION; COMBINED IMMUNODEFICIENCY WITH AUTOIMMUNITY AND SPONDYLOMETAPHYSEAL DYSPLASIA. Identifiers: Orphanet 1855, MedGen C1842763, MONDO:0011939, OMIM 607944.

Allele frequency attached by ClinVar (database versions not stated): gnomAD exomes 0.00001; TOPMed 0.00001.
gnomAD v4.1: 10 of 1,613,764 alleles (0.00062%); highest among the groups gnomAD compares: Middle Eastern, 0.016%; no homozygotes.

Submission:

Labcorp Genetics (formerly Invitae), Labcorp
Classification: Uncertain significance for Spondyloenchondrodysplasia with immune dysregulation. Last evaluated: 2022-07-01. Review status: criteria provided, single submitter. Criteria: Invitae Variant Classification Sherloc (09022015). Collection method: clinical testing. Allele origin: germline.
Comment: This sequence change replaces proline, which is neutral and non-polar, with arginine, which is basic and polar, at codon 133 of the ACP5 protein (p.Pro133Arg). This variant is not present in population databases (gnomAD no frequency). This variant has not been reported in the literature in individuals affected with ACP5-related conditions. ClinVar contains an entry for this variant (Variation ID: 647661). Algorithms developed to predict the effect of missense changes on protein structure and function are either unavailable or do not agree on the potential impact of this missense change (SIFT: "Not Available"; PolyPhen-2: "Probably Damaging"; Align-GVGD: "Not Available"). In summary, the available evidence is currently insufficient to determine the role of this variant in disease. Therefore, it has been classified as a Variant of Uncertain Significance.

NM_001611.5(ACP5):c.398C>G (p.Pro133Arg)

Gene: ACP5 (acid phosphatase 5, tartrate resistant; minus strand). Cytogenetic location: 19p13.2.
Variant type: single nucleotide variant.
Coding change: c.398C>G on transcript NM_001611.5 (MANE Select); coding-DNA position 398, C replaced by G.
Protein change: p.Pro133Arg; replaces proline 133 with arginine.
Molecular consequence: missense variant.
Genome position (GRCh38, 1-based): chr19:11,576,580, G>C on the plus strand (C>G on the coding strand, the complement: ACP5 is on the minus strand). VCF-style: chr19-11576580-G-C. GRCh37 (hg19) VCF-style: chr19-11687395-G-C.
Other names: c.398C>G, p.Pro133Arg (LRG_1218t1, NM_001111034.3, NM_001111035.3 and 2 more transcripts); short protein forms P133R.
Identifiers: ClinVar variation 647661 (VCV000647661.6), dbSNP rs1243676385, ClinGen allele CA404147217.
Genomic context (GRCh38, chr19:11,576,580, plus strand): 5'-AAAATGGCCACAGACACATTGGTCTGTGGGATCTTGAAGTGCAGGCGGTAGAAAGGGCTG[G>C]GGAAGTTCCTGTGGAGGGGATAGAGGTCGTGGGTGCACATCTTGGGCGCAGAAGTCCCAG-3'
Protein context (NP_001602.1, residues 123-143): YSKISKRWNF[Pro133Arg]SPFYRLHFKI